The following is an entry in ClinVar:

NM_000170.3(GLDC):c.905T>A (p.Leu302Ter)

Gene: GLDC (glycine decarboxylase; minus strand). Cytogenetic location: 9p24.1.
Variant type: single nucleotide variant.
Coding change: c.905T>A on transcript NM_000170.3 (MANE Select); coding-DNA position 905, T replaced by A.
Protein change: p.Leu302Ter; replaces leucine 302 with a stop codon.
Molecular consequence: nonsense.
Genome position (GRCh38, 1-based): chr9:6,604,741, A>T on the plus strand (T>A on the coding strand, the complement: GLDC is on the minus strand). VCF-style: chr9-6604741-A-T. GRCh37 (hg19) VCF-style: chr9-6604741-A-T.
Other names: short protein forms L302*.
Identifiers: ClinVar variation 3597484 (VCV003597484.2).

ClinVar aggregate classification (germline): Likely pathogenic. Review status: criteria provided, multiple submitters, no conflicts (2 of 4 stars). 2 submissions from 2 submitters: Likely pathogenic (2). Last evaluated 2025-09-01.

Conditions:
Glycine encephalopathy 1 (GCE1). Identifiers: MedGen CN376801, MONDO:0958179, OMIM 605899.
Glycine encephalopathy. Also called: Nonketotic hyperglycinemia; Non-ketotic hyperglycinemia. Identifiers: Orphanet 407, MedGen C0751748, MONDO:0011612, HP:0008288.

Submissions (2):

Natera, Inc.
Classification: Likely pathogenic for Non-ketotic hyperglycinemia. Last evaluated: 2025-09-01. Review status: criteria provided, single submitter. Criteria: Natera Variant Classification Schema (03/2026). Collection method: clinical testing. Allele origin: germline.
Comment: The c.905T>A variant in GLDC is a nonsense variant predicted to introduce a stop codon at amino acid 302. This variant is expected to result in nonsense mediated decay, truncation, or a dysfunctional protein product. This variant is rare in the general population with a frequency below the threshold expected for the associated phenotype(s). Given the available evidence, this variant is classified as Likely Pathogenic.

Fulgent Genetics
Classification: Likely pathogenic for Glycine encephalopathy 1. Last evaluated: 2023-12-28. Review status: criteria provided, single submitter. Criteria: ACMG Guidelines, 2015. Collection method: clinical testing. Allele origin: germline.